The following is an entry in ClinVar:

ClinVar aggregate classification (germline): Uncertain significance (1 of 4 stars; one submission).

Submission:

Dasa
Classification: Uncertain significance. Last evaluated: 2026-02-11. Review status: criteria provided, single submitter. Criteria: DASA Assertion Criteria. Collection method: clinical testing. Allele origin: germline.
Comment: NM_020754.4(ARHGAP31):c.3982C>T (p.Arg1328*) is a nonsense variant in ARHGAP31 predicted to introduce a premature termination codon and is predicted to result in an absent or altered protein product. This variant is rare in population databases. The currently available literature and clinical evidence are not sufficient to establish a definitive association between this variant and the reported condition. Therefore, this variant is classified as a variant of uncertain significance.

NM_020754.4(ARHGAP31):c.3982C>T (p.Arg1328Ter)

Gene: ARHGAP31 (Rho GTPase activating protein 31; plus strand). Cytogenetic location: 3q13.33.
Variant type: single nucleotide variant.
Coding change: c.3982C>T on transcript NM_020754.4 (MANE Select); coding-DNA position 3982, C replaced by T.
Protein change: p.Arg1328Ter; replaces arginine 1328 with a stop codon.
Molecular consequence: nonsense.
Genome position (GRCh38, 1-based): chr3:119,415,911, C>T. VCF-style: chr3-119415911-C-T. GRCh37 (hg19) VCF-style: chr3-119134758-C-T.
Other names: short protein forms R1328*.
Identifiers: ClinVar variation 5020712 (VCV005020712.1).